The following is an entry in ClinVar:

ClinVar aggregate classification (germline): Likely pathogenic (1 of 4 stars; one submission).

Conditions:
Acyl-CoA oxidase deficiency. Also called: STRAIGHT-CHAIN ACYL-CoA OXIDASE DEFICIENCY; Pseudoneonatal adrenoleukodystrophy; Peroxisomal acyl-CoA oxidase deficiency. Identifiers: Orphanet 2971, MedGen C1849678, MONDO:0009919, OMIM 264470. Disease mechanism: loss of function.

Submission:

Labcorp Genetics (formerly Invitae), Labcorp
Classification: Likely pathogenic for Acyl-CoA oxidase deficiency. Last evaluated: 2021-06-12. Review status: criteria provided, single submitter. Criteria: Invitae Variant Classification Sherloc (09022015). Collection method: clinical testing. Allele origin: germline.
Comment: This sequence change affects a donor splice site in intron 10 of the ACOX1 gene. It is expected to disrupt RNA splicing. Variants that disrupt the donor or acceptor splice site typically lead to a loss of protein function (PMID: 16199547), and loss-of-function variants in ACOX1 are known to be pathogenic (PMID: 8040306, 17458872). This variant is not present in population databases (ExAC no frequency). This variant has not been reported in the literature in individuals with ACOX1-related conditions. Algorithms developed to predict the effect of sequence changes on RNA splicing suggest that this variant may disrupt the consensus splice site, but this prediction has not been confirmed by published transcriptional studies. In summary, the currently available evidence indicates that the variant is pathogenic, but additional data are needed to prove that conclusively. Therefore, this variant has been classified as Likely Pathogenic.

Literature cited by the submitters: PubMed 16199547; PubMed 8040306; PubMed 17458872.

NM_004035.7(ACOX1):c.1478+1G>A

Gene: ACOX1 (acyl-CoA oxidase 1; minus strand). Cytogenetic location: 17q25.1.
Variant type: single nucleotide variant.
Coding change: c.1478+1G>A on transcript NM_004035.7 (MANE Select); the canonical splice donor site of the intron after coding-DNA position 1478, G replaced by A.
Molecular consequence: splice donor variant.
Genome position (GRCh38, 1-based): chr17:75,949,717, C>T on the plus strand (G>A on the coding strand, the complement: ACOX1 is on the minus strand). VCF-style: chr17-75949717-C-T. GRCh37 (hg19) VCF-style: chr17-73945798-C-T.
Other names: c.1478+1G>A (NM_007292.6); c.1364+1G>A (NM_001185039.2).
Identifiers: ClinVar variation 1468244 (VCV001468244.8), dbSNP rs2144237287, ClinGen allele CA401060736.